The following is an entry in ClinVar:

NM_000342.4(SLC4A1):c.1671G>A (p.Val557=)

Gene: SLC4A1 (solute carrier family 4 member 1 (Diego blood group); minus strand). Cytogenetic location: 17q21.31.
Variant type: single nucleotide variant.
Coding change: c.1671G>A on transcript NM_000342.4 (MANE Select); coding-DNA position 1671, G replaced by A.
Protein change: p.Val557=; no amino-acid change (valine 557 retained).
Molecular consequence: synonymous variant.
Genome position (GRCh38, 1-based): chr17:44,255,802, C>T on the plus strand (G>A on the coding strand, the complement: SLC4A1 is on the minus strand). VCF-style: chr17-44255802-C-T. GRCh37 (hg19) VCF-style: chr17-42333170-C-T.
Identifiers: ClinVar variation 890131 (VCV000890131.10), dbSNP rs147838240, ClinGen allele CA8600221.

ClinVar aggregate classification (germline): Conflicting classifications of pathogenicity. Review status: criteria provided, conflicting classifications (1 of 4 stars). 6 submissions from 4 submitters: Uncertain significance (2); Likely benign (3). 1 of the submissions does not count toward it. Last evaluated 2025-12-06.

Conditions:
Autosomal dominant distal renal tubular acidosis (DRTA1). Also called: RTA, CLASSIC TYPE; RTA, DISTAL TYPE, AUTOSOMAL DOMINANT; RTA, GRADIENT TYPE; Renal Tubular Acidosis, Type I; RENAL TUBULAR ACIDOSIS, DISTAL, 1. Identifiers: Orphanet 93608, MedGen CN280572, MONDO:0008368, OMIM 179800.
SLC4A1-related disorder. Also called: SLC4A1-related disorders; SLC4A1-related condition.
Hemolytic anemia. Identifiers: MedGen C0002878, MONDO:0003664, HP:0001878.
Hereditary spherocytosis type 4. Also called: SLC4A1-Related Spherocytosis. Identifiers: Orphanet 822, MedGen C2675212, MONDO:0012981, OMIM 612653.

Allele frequency attached by ClinVar (database versions not stated): gnomAD exomes 0.00006 and 0.00039; ExAC 0.00007; TOPMed 0.00010; gnomAD 0.00014 and 0.00016; ESP Exome Variant Server 0.00023.
gnomAD v4.1: 577 of 1,614,046 alleles (0.036%); highest among the groups gnomAD compares: Non-Finnish European, 0.048%; no homozygotes.

Submissions (6):

Labcorp Genetics (formerly Invitae), Labcorp
Classification: Likely benign. Last evaluated: 2025-12-06. Review status: criteria provided, single submitter. Criteria: Invitae Variant Classification Sherloc (09022015). Collection method: clinical testing. Allele origin: germline.

ARUP Laboratories, Molecular Genetics and Genomics, ARUP Laboratories
Classification: Likely benign. Last evaluated: 2025-04-09. Review status: criteria provided, single submitter. Criteria: ARUP Molecular Germline Variant Investigation Process 2024. Collection method: clinical testing. Allele origin: germline.

Illumina Laboratory Services, Illumina
Classification: Uncertain significance for Hereditary spherocytosis type 4. Last evaluated: 2018-01-13. Review status: criteria provided, single submitter. Criteria: ICSL Variant Classification Criteria 13 December 2019. Collection method: clinical testing. Allele origin: germline.

Illumina Laboratory Services, Illumina
Classification: Uncertain significance for Hemolytic anemia. Last evaluated: 2018-01-13. Review status: criteria provided, single submitter. Criteria: ICSL Variant Classification Criteria 13 December 2019. Collection method: clinical testing. Allele origin: germline.

Illumina Laboratory Services, Illumina
Classification: Likely benign for Autosomal dominant distal renal tubular acidosis. Last evaluated: 2018-01-13. Review status: criteria provided, single submitter. Criteria: ICSL Variant Classification Criteria 13 December 2019. Collection method: clinical testing. Allele origin: germline.
Comment: This variant was observed in the ICSL laboratory as part of a predisposition screen in an ostensibly healthy population. It had not been previously curated by ICSL or reported in the Human Gene Mutation Database (HGMD: prior to June 1st, 2018), and was therefore a candidate for classification through an automated scoring system. Utilizing variant allele frequency, disease prevalence and penetrance estimates, and inheritance mode, an automated score was calculated to assess if this variant is too frequent to cause the disease. Based on the score and internal cut-off values, a variant classified as likely benign is not then subjected to further curation. The score for this variant resulted in a classification of likely benign for this disease.

PreventionGenetics, part of Exact Sciences
Classification: Likely benign for SLC4A1-related condition. Last evaluated: 2019-07-02. Review status: no assertion criteria provided. Collection method: clinical testing. Allele origin: germline. Not counted in ClinVar's aggregate classification.
Comment: This variant is classified as likely benign based on ACMG/AMP sequence variant interpretation guidelines (Richards et al. 2015 PMID: 25741868, with internal and published modifications).